The following is an entry in ClinVar:

ClinVar aggregate classification (germline): Uncertain significance (1 of 4 stars; one submission).

Submission:

Labcorp Genetics (formerly Invitae), Labcorp
Classification: Uncertain significance. Last evaluated: 2025-10-02. Review status: criteria provided, single submitter. Criteria: Invitae Variant Classification Sherloc (09022015). Collection method: clinical testing. Allele origin: germline.
Comment: This sequence change replaces tyrosine, which is neutral and polar, with histidine, which is basic and polar, at codon 244 of the ZMIZ1 protein (p.Tyr244His). This variant is not present in population databases (gnomAD no frequency). This variant has not been reported in the literature in individuals affected with ZMIZ1-related conditions. ClinVar contains an entry for this variant (Variation ID: 2777747). Invitae Evidence Modeling of protein sequence and biophysical properties (such as structural, functional, and spatial information, amino acid conservation, physicochemical variation, residue mobility, and thermodynamic stability) indicates that this missense variant is not expected to disrupt ZMIZ1 protein function with a negative predictive value of 95%. In summary, the available evidence is currently insufficient to determine the role of this variant in disease. Therefore, it has been classified as a Variant of Uncertain Significance.

NM_020338.4(ZMIZ1):c.730T>C (p.Tyr244His)

Gene: ZMIZ1 (zinc finger MIZ-type containing 1; plus strand). Cytogenetic location: 10q22.3.
Variant type: single nucleotide variant.
Coding change: c.730T>C on transcript NM_020338.4 (MANE Select); coding-DNA position 730, T replaced by C.
Protein change: p.Tyr244His; replaces tyrosine 244 with histidine.
Molecular consequence: missense variant.
Genome position (GRCh38, 1-based): chr10:79,291,148, T>C. VCF-style: chr10-79291148-T-C. GRCh37 (hg19) VCF-style: chr10-81050905-T-C.
Other names: short protein forms Y244H.
Identifiers: ClinVar variation 2777747 (VCV002777747.3), dbSNP rs2493821868, ClinGen allele CA377332650.